The following is an entry in ClinVar:

ClinVar aggregate classification (germline): Likely pathogenic (1 of 4 stars; one submission).

Conditions:
LAMA2-related muscular dystrophy (LAMA2-RD). Also called: Laminin alpha 2-related dystrophy. Identifiers: MedGen C5679788, MONDO:0100228.

Submission:

Labcorp Genetics (formerly Invitae), Labcorp
Classification: Likely pathogenic for LAMA2-related muscular dystrophy. Last evaluated: 2023-11-21. Review status: criteria provided, single submitter. Criteria: Invitae Variant Classification Sherloc (09022015). Collection method: clinical testing. Allele origin: germline.
Comment: This sequence change affects an acceptor splice site in intron 39 of the LAMA2 gene. It is expected to disrupt RNA splicing. Variants that disrupt the donor or acceptor splice site typically lead to a loss of protein function (PMID: 16199547), and loss-of-function variants in LAMA2 are known to be pathogenic (PMID: 18700894, 32904964). This variant is not present in population databases (gnomAD no frequency). This variant has not been reported in the literature in individuals affected with LAMA2-related conditions. Algorithms developed to predict the effect of sequence changes on RNA splicing suggest that this variant may disrupt the consensus splice site. In summary, the currently available evidence indicates that the variant is pathogenic, but additional data are needed to prove that conclusively. Therefore, this variant has been classified as Likely Pathogenic.

Literature cited by the submitters: PubMed 16199547; PubMed 18700894; PubMed 32904964.

NM_000426.4(LAMA2):c.5727-1G>A

Gene: LAMA2 (laminin subunit alpha 2; plus strand). Cytogenetic location: 6q22.33.
Variant type: single nucleotide variant.
Coding change: c.5727-1G>A on transcript NM_000426.4 (MANE Select); the canonical splice acceptor site of the intron before coding-DNA position 5727, G replaced by A.
Molecular consequence: splice acceptor variant.
Genome position (GRCh38, 1-based): chr6:129,403,820, G>A. VCF-style: chr6-129403820-G-A. GRCh37 (hg19) VCF-style: chr6-129724965-G-A.
Other names: c.5727-1G>A (NM_001079823.2).
Identifiers: ClinVar variation 2697952 (VCV002697952.3), dbSNP rs2533301556, ClinGen allele CA365616807.